The following is an entry in ClinVar:

ClinVar aggregate classification (germline): Benign (1 of 4 stars; one submission).

Conditions:
Intellectual developmental disorder, X-linked 72. Also called: Intellectual disability, X-linked 72. Identifiers: Orphanet 777, MedGen C1846038, MONDO:0010289, OMIM 300271.

Allele frequency attached by ClinVar (database versions not stated): gnomAD 0.00717 and 0.00760; 1000 Genomes Project 0.01113; 1000 Genomes Project 30x 0.01228; TOPMed 0.00881.

Submission:

Illumina Laboratory Services, Illumina
Classification: Benign for Intellectual developmental disorder, X-linked 72. Last evaluated: 2018-01-13. Review status: criteria provided, single submitter. Criteria: ICSL Variant Classification Criteria 13 December 2019. Collection method: clinical testing. Allele origin: germline.
Comment: This variant was observed in the ICSL laboratory as part of a predisposition screen in an ostensibly healthy population. It had not been previously curated by ICSL or reported in the Human Gene Mutation Database (HGMD: prior to June 1st, 2018), and was therefore a candidate for classification through an automated scoring system. Utilizing variant allele frequency, disease prevalence and penetrance estimates, and inheritance mode, an automated score was calculated to assess if this variant is too frequent to cause the disease. Based on the score and internal cut-off values, a variant classified as benign is not then subjected to further curation. The score for this variant resulted in a classification of benign for this disease.

NM_171998.4(RAB39B):c.*1945A>T

Gene: RAB39B (RAB39B, member RAS oncogene family; minus strand). Cytogenetic location: Xq28.
Variant type: single nucleotide variant.
Coding change: c.*1945A>T on transcript NM_171998.4 (MANE Select); 1945 bases downstream of the stop codon, A replaced by T.
Molecular consequence: 3 prime UTR variant.
Genome position (GRCh38, 1-based): chrX:155,258,858, T>A on the plus strand (A>T on the coding strand, the complement: RAB39B is on the minus strand). VCF-style: chrX-155258858-T-A. GRCh37 (hg19) VCF-style: chrX-154488143-T-A.
Identifiers: ClinVar variation 368129 (VCV000368129.5), dbSNP rs145867198, ClinGen allele CA10653869.